The following is an entry in ClinVar:

ClinVar aggregate classification (germline): Uncertain significance (1 of 4 stars; one submission).

Submission:

GeneDx
Classification: Uncertain significance. Last evaluated: 2026-03-15. Review status: criteria provided, single submitter. Criteria: GeneDx Variant Classification Process June 2021. Collection method: clinical testing. Allele origin: germline.
Comment: Not observed at significant frequency in large population cohorts (gnomAD); In silico analysis supports that this missense variant has a deleterious effect on protein structure/function; Has not been previously published as pathogenic or benign to our knowledge

NM_000384.3(APOB):c.296T>A (p.Leu99Gln)

Gene: APOB (apolipoprotein B; minus strand). Cytogenetic location: 2p24.1.
Variant type: single nucleotide variant.
Coding change: c.296T>A on transcript NM_000384.3 (MANE Select); coding-DNA position 296, T replaced by A.
Protein change: p.Leu99Gln; replaces leucine 99 with glutamine.
Molecular consequence: missense variant.
Genome position (GRCh38, 1-based): chr2:21,041,025, A>T on the plus strand (T>A on the coding strand, the complement: APOB is on the minus strand). VCF-style: chr2-21041025-A-T. GRCh37 (hg19) VCF-style: chr2-21263897-A-T.
Other names: short protein forms L99Q.
Identifiers: ClinVar variation 5008721 (VCV005008721.1).
Genomic context (GRCh38, chr2:21,041,025, plus strand): 5'-GAGTTCTTGGTTTTCTTCAGCAAGGCTTTGCCCTCAGGGTTGAAGCCATACACCTCTTTC[A>T]GGGTGCACTGGCTGGTCTTCAGGATGAAGCTGCAGAGCTGGGGAACCTCCAGCTCAACCT-3'
Protein context (NP_000375.3, residues 89-109): SFILKTSQCT[Leu99Gln]KEVYGFNPEG